The following is an entry in ClinVar:

ClinVar aggregate classification (germline): Uncertain significance. Review status: criteria provided, multiple submitters, no conflicts (2 of 4 stars). 2 submissions from 2 submitters: Uncertain significance (2). Last evaluated 2026-07-02.

Conditions:
Hereditary cancer-predisposing syndrome. Also called: Tumor predisposition; Hereditary neoplastic syndrome; Neoplastic Syndromes, Hereditary; Hereditary Cancer Syndrome. Identifiers: Orphanet 140162, MedGen C0027672, MeSH D009386, MONDO:0015356.
Oligodontia-cancer predisposition syndrome. Also called: TOOTH AGENESIS-COLORECTAL CANCER SYNDROME. Identifiers: Orphanet 300576, MedGen C1837750, MONDO:0012075, OMIM 608615. Disease mechanism: loss of function.

Allele frequency attached by ClinVar (database versions not stated): gnomAD exomes below 0.00001; ExAC 0.00001.
gnomAD v4.1: 1 of 1,559,102 alleles (0.000064%); highest among the groups gnomAD compares: South Asian, 0.0011%; no homozygotes.

Submissions (2):

Ambry Genetics
Classification: Uncertain significance for Hereditary cancer-predisposing syndrome. Last evaluated: 2026-07-02. Review status: criteria provided, single submitter. Criteria: Ambry Variant Classification Scheme 2023. Collection method: clinical testing. Allele origin: germline.
Comment: The p.H474R variant (also known as c.1421A>G), located in coding exon 5 of the AXIN2 gene, results from an A to G substitution at nucleotide position 1421. The histidine at codon 474 is replaced by arginine, an amino acid with highly similar properties. This amino acid position is conserved. In addition, this alteration is predicted to be tolerated by in silico analysis. Based on the available evidence, the clinical significance of this variant remains unclear.

Labcorp Genetics (formerly Invitae), Labcorp
Classification: Uncertain significance for Oligodontia-cancer predisposition syndrome. Last evaluated: 2024-03-25. Review status: criteria provided, single submitter. Criteria: Invitae Variant Classification Sherloc (09022015). Collection method: clinical testing. Allele origin: germline.
Comment: This sequence change replaces histidine, which is basic and polar, with arginine, which is basic and polar, at codon 474 of the AXIN2 protein (p.His474Arg). The frequency data for this variant in the population databases is considered unreliable, as metrics indicate poor data quality at this position in the gnomAD database. This variant has not been reported in the literature in individuals affected with AXIN2-related conditions. ClinVar contains an entry for this variant (Variation ID: 857085). Algorithms developed to predict the effect of missense changes on protein structure and function output the following: SIFT: "Not Available"; PolyPhen-2: "Benign"; Align-GVGD: "Not Available". The arginine amino acid residue is found in multiple mammalian species, which suggests that this missense change does not adversely affect protein function. In summary, the available evidence is currently insufficient to determine the role of this variant in disease. Therefore, it has been classified as a Variant of Uncertain Significance.

NM_004655.4(AXIN2):c.1421A>G (p.His474Arg)

Gene: AXIN2 (axin 2; minus strand). Cytogenetic location: 17q24.1.
Variant type: single nucleotide variant.
Coding change: c.1421A>G on transcript NM_004655.4 (MANE Select); coding-DNA position 1421, A replaced by G.
Protein change: p.His474Arg; replaces histidine 474 with arginine.
Molecular consequence: missense variant.
Genome position (GRCh38, 1-based): chr17:65,537,615, T>C on the plus strand (A>G on the coding strand, the complement: AXIN2 is on the minus strand). VCF-style: chr17-65537615-T-C. GRCh37 (hg19) VCF-style: chr17-63533733-T-C.
Other names: c.1421A>G, p.His474Arg (NM_001363813.1); short protein forms H474R.
Identifiers: ClinVar variation 857085 (VCV000857085.10), dbSNP rs756008626, ClinGen allele CA8718651.
Genomic context (GRCh38, chr17:65,537,615, plus strand): 5'-GGCGAGGCGGCCGCGGGAGGCAGCTTGCCACCGGGCGGGAGCAGGGAGTGGTACTGCGAA[T>C]GGTGGTGGTGGTGGTGGTCCGGGGAGCGGGAGCGGGGGCTATAGCGGCCTACGCCTGGAG-3'
Protein context (NP_004646.3, residues 464-484): SRSPDHHHHH[His474Arg]SQYHSLLPPG